The following is an entry in ClinVar:

NM_000660.7(TGFB1):c.953A>G (p.His318Arg)

Gene: TGFB1 (transforming growth factor beta 1; minus strand). Cytogenetic location: 19q13.2.
Variant type: single nucleotide variant.
Coding change: c.953A>G on transcript NM_000660.7 (MANE Select); coding-DNA position 953, A replaced by G.
Protein change: p.His318Arg; replaces histidine 318 with arginine.
Molecular consequence: missense variant.
Genome position (GRCh38, 1-based): chr19:41,332,189, T>C on the plus strand (A>G on the coding strand, the complement: TGFB1 is on the minus strand). VCF-style: chr19-41332189-T-C. GRCh37 (hg19) VCF-style: chr19-41838094-T-C.
Other names: short protein forms H318R.
Identifiers: ClinVar variation 3644929 (VCV003644929.2).

ClinVar aggregate classification (germline): Uncertain significance (1 of 4 stars; one submission).

gnomAD v4.1: 9 of 1,614,172 alleles (0.00056%); highest among the groups gnomAD compares: Non-Finnish European, 0.00059%; no homozygotes.

Submission:

Labcorp Genetics (formerly Invitae), Labcorp
Classification: Uncertain significance. Last evaluated: 2024-03-07. Review status: criteria provided, single submitter. Criteria: Invitae Variant Classification Sherloc (09022015). Collection method: clinical testing. Allele origin: germline.
Comment: This sequence change replaces histidine, which is basic and polar, with arginine, which is basic and polar, at codon 318 of the TGFB1 protein (p.His318Arg). This variant is present in population databases (rs763101036, gnomAD 0.0009%). This variant has not been reported in the literature in individuals affected with TGFB1-related conditions. Advanced modeling of protein sequence and biophysical properties (such as structural, functional, and spatial information, amino acid conservation, physicochemical variation, residue mobility, and thermodynamic stability) performed at Invitae indicates that this missense variant is not expected to disrupt TGFB1 protein function with a negative predictive value of 80%. In summary, the available evidence is currently insufficient to determine the role of this variant in disease. Therefore, it has been classified as a Variant of Uncertain Significance.